The following is an entry in ClinVar:

NM_000061.3(BTK):c.1064T>C (p.Ile355Thr)

Gene: BTK (Bruton tyrosine kinase; minus strand). Cytogenetic location: Xq22.1.
Variant type: single nucleotide variant.
Coding change: c.1064T>C on transcript NM_000061.3 (MANE Select); coding-DNA position 1064, T replaced by C.
Protein change: p.Ile355Thr; replaces isoleucine 355 with threonine.
Molecular consequence: missense variant. On other transcripts: intron variant (1).
Genome position (GRCh38, 1-based): chrX:101,358,348, A>G on the plus strand (T>C on the coding strand, the complement: BTK is on the minus strand). VCF-style: chrX-101358348-A-G. GRCh37 (hg19) VCF-style: chrX-100613336-A-G.
Other names: c.1166T>C, p.Ile389Thr (NM_001287344.2); c.1038+26T>C (NM_001287345.2); short protein forms I389T, I355T.
Identifiers: ClinVar variation 1468003 (VCV001468003.8), dbSNP rs1057517709, ClinGen allele CA413927877.

ClinVar aggregate classification (germline): Uncertain significance (1 of 4 stars; one submission).

Conditions:
X-linked agammaglobulinemia with growth hormone deficiency (IGHD3). Also called: Isolated growth hormone deficiency type 3; Growth hormone deficiency with hypogammaglobulinemia; AGAMMAGLOBULINEMIA AND ISOLATED GROWTH HORMONE DEFICIENCY, X-LINKED; FLEISHER SYNDROME; ISOLATED GROWTH HORMONE DEFICIENCY, TYPE III, WITH AGAMMAGLOBULINEMIA; HYPOGAMMAGLOBULINEMIA AND ISOLATED GROWTH HORMONE DEFICIENCY, X-LINKED. Identifiers: Orphanet 231692, Orphanet 631, MedGen C0472813, MONDO:0010615, OMIM 307200.

Submission:

Labcorp Genetics (formerly Invitae), Labcorp
Classification: Uncertain significance for X-linked agammaglobulinemia with growth hormone deficiency. Last evaluated: 2021-06-05. Review status: criteria provided, single submitter. Criteria: Invitae Variant Classification Sherloc (09022015). Collection method: clinical testing. Allele origin: germline.
Comment: Advanced modeling of protein sequence and biophysical properties (such as structural, functional, and spatial information, amino acid conservation, physicochemical variation, residue mobility, and thermodynamic stability) performed at Invitae indicates that this missense variant is expected to disrupt BTK protein function. In summary, the available evidence is currently insufficient to determine the role of this variant in disease. Therefore, it has been classified as a Variant of Uncertain Significance. This variant disrupts the p.Ile355 amino acid residue in BTK. Other variant(s) that disrupt this residue have been observed in individuals with BTK-related conditions (PMID: 19419768), which suggests that this may be a clinically significant amino acid residue. This variant has been observed in individual(s) with X-linked recessive agammaglobulinemia (XLA) (PMID: 20721470). This variant is not present in population databases (ExAC no frequency). This sequence change replaces isoleucine with threonine at codon 355 of the BTK protein (p.Ile355Thr). The isoleucine residue is highly conserved and there is a moderate physicochemical difference between isoleucine and threonine.

Literature cited by the submitters: PubMed 19419768; PubMed 20721470.